The following is an entry in ClinVar:

ClinVar aggregate classification (germline): Uncertain significance. Review status: criteria provided, multiple submitters, no conflicts (2 of 4 stars). 2 submissions from 2 submitters: Uncertain significance (2). Last evaluated 2026-03-12.

Conditions:
Hypercoagulability syndrome due to glycosylphosphatidylinositol deficiency (GPIBD1). Also called: GLYCOSYLPHOSPHATIDYLINOSITOL BIOSYNTHESIS DEFECT 1. Identifiers: Orphanet 83639, MedGen C5201145, MONDO:0012465, OMIM 610293.

Allele frequency attached by ClinVar (database versions not stated): gnomAD 0.00001; gnomAD exomes 0.00001; ExAC 0.00002; TOPMed 0.00003; 1000 Genomes Project 0.00020; 1000 Genomes Project 30x 0.00031.
gnomAD v4.1: 21 of 1,614,002 alleles (0.0013%); highest among the groups gnomAD compares: Admixed American, 0.0033%; no homozygotes.

Submissions (2):

Ambry Genetics
Classification: Uncertain significance. Last evaluated: 2026-03-12. Review status: criteria provided, single submitter. Criteria: Ambry Variant Classification Scheme 2023. Collection method: clinical testing. Allele origin: germline.
Comment: The c.1193T>C (p.L398P) alteration is located in exon 1 (coding exon 1) of the PIGM gene. This alteration results from a T to C substitution at nucleotide position 1193, causing the leucine (L) at amino acid position 398 to be replaced by a proline (P). Based on data from gnomAD, the C allele has an overall frequency of 0.002% (5/251444) total alleles studied. The highest observed frequency was 0.006% (1/16254) of African alleles. Based on insufficient or conflicting evidence, the clinical significance of this alteration remains unclear.

Labcorp Genetics (formerly Invitae), Labcorp
Classification: Uncertain significance for Hypercoagulability syndrome due to glycosylphosphatidylinositol deficiency. Last evaluated: 2023-06-23. Review status: criteria provided, single submitter. Criteria: Invitae Variant Classification Sherloc (09022015). Collection method: clinical testing. Allele origin: germline.
Comment: This variant is present in population databases (rs546255751, gnomAD 0.007%). This variant has not been reported in the literature in individuals affected with PIGM-related conditions. ClinVar contains an entry for this variant (Variation ID: 2151297). Advanced modeling of protein sequence and biophysical properties (such as structural, functional, and spatial information, amino acid conservation, physicochemical variation, residue mobility, and thermodynamic stability) performed at Invitae indicates that this missense variant is expected to disrupt PIGM protein function. In summary, the available evidence is currently insufficient to determine the role of this variant in disease. Therefore, it has been classified as a Variant of Uncertain Significance. This sequence change replaces leucine, which is neutral and non-polar, with proline, which is neutral and non-polar, at codon 398 of the PIGM protein (p.Leu398Pro).

NM_145167.3(PIGM):c.1193T>C (p.Leu398Pro)

Gene: PIGM (phosphatidylinositol glycan anchor biosynthesis class M; minus strand). Cytogenetic location: 1q23.2.
Variant type: single nucleotide variant.
Coding change: c.1193T>C on transcript NM_145167.3 (MANE Select); coding-DNA position 1193, T replaced by C.
Protein change: p.Leu398Pro; replaces leucine 398 with proline.
Molecular consequence: missense variant.
Genome position (GRCh38, 1-based): chr1:160,030,547, A>G on the plus strand (T>C on the coding strand, the complement: PIGM is on the minus strand). VCF-style: chr1-160030547-A-G. GRCh37 (hg19) VCF-style: chr1-160000337-A-G.
Other names: short protein forms L398P.
Identifiers: ClinVar variation 2151297 (VCV002151297.5), dbSNP rs546255751, ClinGen allele CA1192916.